The following is an entry in ClinVar:

ClinVar aggregate classification (germline): Likely benign (1 of 4 stars; one submission).

Allele frequency attached by ClinVar (database versions not stated): ExAC 0.00001; gnomAD exomes below 0.00001.
gnomAD v4.1: 1 of 1,613,096 alleles (0.000062%); highest among the groups gnomAD compares: South Asian, 0.0011%; no homozygotes.

Submission:

GeneDx
Classification: Likely benign. Last evaluated: 2016-08-31. Review status: criteria provided, single submitter. Criteria: GeneDx Variant Classification (06012015). Collection method: clinical testing. Allele origin: germline. Affected: yes.
Comment: This variant is considered likely benign or benign based on one or more of the following criteria: it is a conservative change, it occurs at a poorly conserved position in the protein, it is predicted to be benign by multiple in silico algorithms, and/or has population frequency not consistent with disease.

NM_032043.3(BRIP1):c.30T>C (p.Ile10=)

Gene: BRIP1 (BRCA1 interacting helicase 1; minus strand). Cytogenetic location: 17q23.2.
Variant type: single nucleotide variant.
Coding change: c.30T>C on transcript NM_032043.3 (MANE Select); coding-DNA position 30, T replaced by C.
Protein change: p.Ile10=; no amino-acid change (isoleucine 10 retained).
Molecular consequence: synonymous variant.
Genome position (GRCh38, 1-based): chr17:61,861,510, A>G on the plus strand (T>C on the coding strand, the complement: BRIP1 is on the minus strand). VCF-style: chr17-61861510-A-G. GRCh37 (hg19) VCF-style: chr17-59938871-A-G.
Identifiers: ClinVar variation 388984 (VCV000388984.1), dbSNP rs767215118, ClinGen allele CA8691017.